The following is an entry in ClinVar:

NM_002834.5(PTPN11):c.155_163del (p.Thr52_Ile54del)

Gene: PTPN11 (protein tyrosine phosphatase non-receptor type 11; plus strand). Cytogenetic location: 12q24.13.
Variant type: Deletion.
Coding change: c.155_163del on transcript NM_002834.5 (MANE Select); coding-DNA positions 155 to 163, 9 bases deleted (CCCACATCA; older notation c.155_163delCCCACATCA).
Protein change: p.Thr52_Ile54del.
Molecular consequence: inframe deletion.
Genome position (GRCh38, 1-based): chr12:112,450,335-112,450,343, CCCACATCA deleted; deleting any 9 consecutive bases within chr12:112,450,332-112,450,343 gives the same sequence; the c. name uses the placement nearest the transcript's 3' end. VCF-style (leftmost placement, unchanged base first): chr12-112450331-GTCACCCACA-G. GRCh37 (hg19) VCF-style: chr12-112888135-GTCACCCACA-G.
Other names: c.155_163del, p.Thr52_Ile54del (NM_001330437.2, NM_080601.3); c.152_160del, p.Thr51_Ile53del (NM_001374625.1).
Identifiers: ClinVar variation 4855276 (VCV004855276.1).

ClinVar aggregate classification (germline): Likely pathogenic (1 of 4 stars; one submission).

Conditions:
Noonan syndrome 1 (NS1). Also called: FEMALE PSEUDO-TURNER SYNDROME; TURNER PHENOTYPE WITH NORMAL KARYOTYPE; PTPN11-Related Noonan Syndrome. Identifiers: Orphanet 648, MedGen C4551602, MONDO:0008104, OMIM 163950. Disease mechanism: gain of function.

Submission:

3billion
Classification: Likely pathogenic for Noonan syndrome 1. Last evaluated: 2026-01-27. Review status: criteria provided, single submitter. Criteria: ACMG Guidelines, 2015. Collection method: clinical testing. Allele origin: germline. Affected: yes.
Comment: The variant is not observed in the gnomAD v4.1.0 dataset. Predicted Consequence/Location: The variant is located in a mutational hot spot and/or well-established functional domain in which established pathogenic variants have been reported. Inframe deletion located in a nonrepeat region: predicted to change the length of the protein and disrupt normal protein function. Therefore, this variant is classified as Likely pathogenic according to the recommendation of ACMG/AMP guideline.

Literature cited by the submitters: PubMed 29493581.